The following is an entry in ClinVar:

NM_000051.4(ATM):c.854del (p.Leu285fs)

Gene: ATM (ATM serine/threonine kinase; plus strand). Cytogenetic location: 11q22.3.
Variant type: Deletion.
Coding change: c.854del on transcript NM_000051.4 (MANE Select); coding-DNA position 854, one base deleted (T; older notation c.854delT).
Protein change: p.Leu285fs; shifts the reading frame from leucine 285.
Molecular consequence: frameshift variant.
Genome position (GRCh38, 1-based): chr11:108,244,979, T deleted. VCF-style (leftmost placement, unchanged base first): chr11-108244978-CT-C. GRCh37 (hg19) VCF-style: chr11-108115705-CT-C.
Other names: c.854del, p.Leu285fs (NM_001351834.2); short protein forms L285fs.
Identifiers: ClinVar variation 3801923 (VCV003801923.2).

ClinVar aggregate classification (germline): Pathogenic. Review status: criteria provided, multiple submitters, no conflicts (2 of 4 stars). 2 submissions from 2 submitters: Pathogenic (2). Last evaluated 2026-05-06.

Conditions:
Familial cancer of breast. Also called: hereditary breast carcinoma; Hereditary breast cancer; BREAST CANCER, FAMILIAL. Identifiers: Orphanet 227535, MedGen C0346153, MONDO:0016419, OMIM 114480. Disease mechanism: loss of function.
Hereditary cancer-predisposing syndrome. Also called: Neoplastic Syndromes, Hereditary; Tumor predisposition; Hereditary Cancer Syndrome; Hereditary neoplastic syndrome. Identifiers: Orphanet 140162, MedGen C0027672, MeSH D009386, MONDO:0015356.

Submissions (2):

Myriad Genetics, Inc.
Classification: Pathogenic for Familial cancer of breast. Last evaluated: 2026-05-06. Review status: criteria provided, single submitter. Criteria: Myriad Autosomal Dominant, Autosomal Recessive and X-Linked Classification Criteria (2023). Collection method: clinical testing. Allele origin: unknown.
Comment: This variant is considered pathogenic. This variant creates a frameshift predicted to result in premature protein truncation.

Ambry Genetics
Classification: Pathogenic for Hereditary cancer-predisposing syndrome. Last evaluated: 2025-01-17. Review status: criteria provided, single submitter. Criteria: Ambry Variant Classification Scheme 2023. Collection method: clinical testing. Allele origin: germline.
Comment: The c.854delT pathogenic mutation, located in coding exon 6 of the ATM gene, results from a deletion of one nucleotide at nucleotide position 854, causing a translational frameshift with a predicted alternate stop codon (p.L285Rfs*35). This variant is considered to be rare based on population cohorts in the Genome Aggregation Database (gnomAD). This alteration is expected to result in loss of function by premature protein truncation or nonsense-mediated mRNA decay. As such, this alteration is interpreted as a disease-causing mutation.